The following is an entry in ClinVar:

NM_000135.4(FANCA):c.2183A>C (p.Gln728Pro)

Gene: FANCA (FA complementation group A; minus strand). Cytogenetic location: 16q24.3.
Variant type: single nucleotide variant.
Coding change: c.2183A>C on transcript NM_000135.4 (MANE Select); coding-DNA position 2183, A replaced by C.
Protein change: p.Gln728Pro; replaces glutamine 728 with proline.
Molecular consequence: missense variant.
Genome position (GRCh38, 1-based): chr16:89,770,603, T>G on the plus strand (A>C on the coding strand, the complement: FANCA is on the minus strand). VCF-style: chr16-89770603-T-G. GRCh37 (hg19) VCF-style: chr16-89837011-T-G.
Other names: c.2183A>C, p.Gln728Pro (NM_001286167.3); short protein forms Q728P.
Identifiers: ClinVar variation 4022125 (VCV004022125.1).

ClinVar aggregate classification (germline): Uncertain significance (1 of 4 stars; one submission).

Conditions:
Inborn genetic diseases. Identifiers: MedGen C0950123, MeSH D030342.

Submission:

Ambry Genetics
Classification: Uncertain significance for Inborn genetic diseases. Last evaluated: 2025-03-29. Review status: criteria provided, single submitter. Criteria: Ambry Variant Classification Scheme 2023. Collection method: clinical testing. Allele origin: germline.
Comment: The p.Q728P variant (also known as c.2183A>C), located in coding exon 24 of the FANCA gene, results from an A to C substitution at nucleotide position 2183. The glutamine at codon 728 is replaced by proline, an amino acid with similar properties. This amino acid position is conserved. In addition, this alteration is predicted to be deleterious by in silico analysis. Based on the available evidence, the clinical significance of this variant remains unclear.